The following is an entry in ClinVar:

NM_001267550.2(TTN):c.94700A>G (p.Asn31567Ser)

Genes: TTN-AS1 (TTN antisense RNA 1; plus strand), TTN (titin; minus strand). Cytogenetic location: 2q31.2.
Variant type: single nucleotide variant.
Coding change: c.94700A>G on transcript NM_001267550.2 (MANE Select); coding-DNA position 94700, A replaced by G.
Protein change: p.Asn31567Ser; replaces asparagine 31567 with serine.
Molecular consequence: missense variant.
Genome position (GRCh38, 1-based): chr2:178,546,728, T>C on the plus strand (A>G on the coding strand, the complement: TTN is on the minus strand). VCF-style: chr2-178546728-T-C. GRCh37 (hg19) VCF-style: chr2-179411455-T-C.
Other names: c.89777A>G, p.Asn29926Ser (NM_001256850.1); c.67505A>G, p.Asn22502Ser (NM_003319.4); c.86996A>G, p.Asn28999Ser (NM_133378.4); c.67880A>G, p.Asn22627Ser (NM_133432.3); c.68081A>G, p.Asn22694Ser (NM_133437.4); short protein forms N28999S, N31567S, N29926S, N22627S, N22694S, N22502S.
Identifiers: ClinVar variation 284493 (VCV000284493.14), dbSNP rs886042885, ClinGen allele CA10604814.
Genomic context (GRCh38, chr2:178,546,728, plus strand): 5'-TTGGCTAACACACGGAACTCATAAGTGTCTCCTTCACTGAGAGCAGTCACGGTGAAGAAA[T>C]TGTCAGATACAATGGTGTAGTTGCACTTCAGCCAGCGACCATCTCCTACCTCACTGACTG-3'
Protein context (NP_001254479.2, residues 31557-31577): LKCNYTIVSD[Asn31567Ser]FFTVTALSEG

ClinVar aggregate classification (germline): Conflicting classifications of pathogenicity. Review status: criteria provided, conflicting classifications (1 of 4 stars). 5 submissions from 5 submitters: Uncertain significance (4); Likely benign (1). Last evaluated 2023-02-15.

Conditions:
Cardiovascular phenotype. Identifiers: MedGen CN230736.
Autosomal recessive limb-girdle muscular dystrophy type 2J (LGMDR10). Also called: Limb-girdle muscular dystrophy, type 2J; MUSCULAR DYSTROPHY, LIMB-GIRDLE, AUTOSOMAL RECESSIVE 10. Identifiers: Orphanet 140922, MedGen C1837342, MONDO:0012127, OMIM 608807.
Dilated cardiomyopathy 1G (CMD1G). Identifiers: Orphanet 154, MedGen C1858763, MONDO:0011400, OMIM 604145.

Allele frequency attached by ClinVar (database versions not stated): gnomAD exomes 0.00004 and 0.00006; TOPMed 0.00004; gnomAD 0.00005.

Submissions (5):

Revvity Omics, Revvity
Classification: Uncertain significance. Last evaluated: 2023-02-15. Review status: criteria provided, single submitter. Criteria: ACMG Guidelines, 2015. Collection method: clinical testing. Allele origin: germline.

Ambry Genetics
Classification: Uncertain significance for Cardiovascular phenotype. Last evaluated: 2018-06-25. Review status: criteria provided, single submitter. Criteria: Ambry Variant Classification Scheme 2023. Collection method: clinical testing. Allele origin: germline.
Comment: The p.N22502S variant (also known as c.67505A>G), located in coding exon 168 of the TTN gene, results from an A to G substitution at nucleotide position 67505. The asparagine at codon 22502 is replaced by serine, an amino acid with highly similar properties. This amino acid position is well conserved in available vertebrate species. In addition, this alteration is predicted to be tolerated by in silico analysis. Since supporting evidence is limited at this time, the clinical significance of this alteration remains unclear.

Eurofins Ntd Llc (ga)
Classification: Uncertain significance. Last evaluated: 2018-06-15. Review status: criteria provided, single submitter. Criteria: EGL ClinVar v180209 classification definitions. Collection method: clinical testing. Allele origin: germline. Observed: 2 variant alleles, 2 heterozygotes.

GeneDx
Classification: Likely benign. Last evaluated: 2018-05-14. Review status: criteria provided, single submitter. Criteria: GeneDx Variant Classification (06012015). Collection method: clinical testing. Allele origin: germline. Affected: yes.
Comment: This variant is considered likely benign or benign based on one or more of the following criteria: it is a conservative change, it occurs at a poorly conserved position in the protein, it is predicted to be benign by multiple in silico algorithms, and/or has population frequency not consistent with disease.

Labcorp Genetics (formerly Invitae), Labcorp
Classification: Uncertain significance for Dilated cardiomyopathy 1G; Autosomal recessive limb-girdle muscular dystrophy type 2J. Last evaluated: 2016-05-10. Review status: criteria provided, single submitter. Criteria: Invitae Variant Classification Sherloc (09022015). Collection method: clinical testing. Allele origin: germline.
Comment: This sequence change replaces asparagine with serine at codon 31567 of the TTN protein (p.Asn31567Ser). There is a small physicochemical difference between asparagine and serine. This variant is not present in population databases (ExAC no frequency). Algorithms developed to predict the effect of sequence changes on mRNA splicing suggest that this variant may alter mRNA splicing, but this prediction has not been confirmed by published transcriptional studies. In summary, this variant is a novel missense change with uncertain impact on protein splicing. It has been classified as a Variant of Uncertain Significance.